The following is an entry in ClinVar:

ClinVar aggregate classification (germline): Uncertain significance (1 of 4 stars; one submission).

Conditions:
TMEM165-congenital disorder of glycosylation. Also called: CDG IIk; TMEM165-CDG; Congenital disorder of glycosylation type 2k. Identifiers: Orphanet 314667, MedGen C3553571, MONDO:0013870, OMIM 614727.

Submission:

Labcorp Genetics (formerly Invitae), Labcorp
Classification: Uncertain significance for TMEM165-congenital disorder of glycosylation. Last evaluated: 2025-10-01. Review status: criteria provided, single submitter. Criteria: Invitae Variant Classification Sherloc (09022015). Collection method: clinical testing. Allele origin: germline.
Comment: This sequence change replaces arginine, which is basic and polar, with threonine, which is neutral and polar, at codon 298 of the TMEM165 protein (p.Arg298Thr). This variant is not present in population databases (gnomAD no frequency). This variant has not been reported in the literature in individuals affected with TMEM165-related conditions. Invitae Evidence Modeling of protein sequence and biophysical properties (such as structural, functional, and spatial information, amino acid conservation, physicochemical variation, residue mobility, and thermodynamic stability) indicates that this missense variant is expected to disrupt TMEM165 protein function with a positive predictive value of 80%. In summary, the available evidence is currently insufficient to determine the role of this variant in disease. Therefore, it has been classified as a Variant of Uncertain Significance.

NM_018475.5(TMEM165):c.893G>C (p.Arg298Thr)

Gene: TMEM165 (transmembrane protein 165; plus strand). Cytogenetic location: 4q12.
Variant type: single nucleotide variant.
Coding change: c.893G>C on transcript NM_018475.5 (MANE Select); coding-DNA position 893, G replaced by C.
Protein change: p.Arg298Thr; replaces arginine 298 with threonine.
Molecular consequence: missense variant. On other transcripts: non-coding transcript variant (1).
Genome position (GRCh38, 1-based): chr4:55,424,638, G>C. VCF-style: chr4-55424638-G-C. GRCh37 (hg19) VCF-style: chr4-56290805-G-C.
Other names: short protein forms R298T.
Identifiers: ClinVar variation 4715215 (VCV004715215.1).